The following is an entry in ClinVar:

NM_003482.4(KMT2D):c.16500del (p.Arg5501fs)

Gene: KMT2D (lysine methyltransferase 2D; minus strand). Cytogenetic location: 12q13.12.
Variant type: Deletion.
Coding change: c.16500del on transcript NM_003482.4 (MANE Select); coding-DNA position 16500, one base deleted (G; older notation c.16500delG).
Protein change: p.Arg5501fs; shifts the reading frame from arginine 5501.
Molecular consequence: frameshift variant.
Genome position (GRCh38, 1-based): chr12:49,022,064, C deleted on the plus strand (G on the coding strand, the reverse complement: KMT2D is on the minus strand); the first of 2 consecutive C bases (chr12:49,022,064-49,022,065); deleting either gives the same sequence. VCF-style (leftmost placement, unchanged base first): chr12-49022063-GC-G. GRCh37 (hg19) VCF-style: chr12-49415846-GC-G.
Other names: short protein forms R5501fs.
Identifiers: ClinVar variation 2429392 (VCV002429392.3), dbSNP rs2499023157, ClinGen allele CA2580085573.

ClinVar aggregate classification (germline): Likely pathogenic (1 of 4 stars; one submission).

Submission:

Illumina Laboratory Services, Illumina
Classification: Likely pathogenic. Last evaluated: 2022-09-16. Review status: criteria provided, single submitter. Criteria: ICSL CNVClassificationCriteria Aug2020. Collection method: clinical testing. Allele origin: unknown. Affected: yes.
Comment: The KMT2D c.16500del (p.Arg5501GlufsTer8) variant results in the deletion of a nucleotide at position c.16500, causing a shift in the protein reading frame that is predicted to result in premature termination of the protein. This variant occurs in the last 50 bp of the penultimate exon of the gene and may escape nonsense-mediated mRNA decay. To our knowledge, this variant has not been reported in the peer-reviewed literature. This variant is not found in version 2.1.1 or version 3.1.2 of the Genome Aggregation Database. Based on the available evidence, the c.16500del (p.Arg5501GlufsTer8) variant is classified as likely pathogenic for Kabuki syndrome.